The following is an entry in ClinVar:

NM_006031.6(PCNT):c.6309A>G (p.Ala2103=)

Gene: PCNT (pericentrin; plus strand). Cytogenetic location: 21q22.3.
Variant type: single nucleotide variant.
Coding change: c.6309A>G on transcript NM_006031.6 (MANE Select); coding-DNA position 6309, A replaced by G.
Protein change: p.Ala2103=; no amino-acid change (alanine 2103 retained).
Molecular consequence: synonymous variant.
Genome position (GRCh38, 1-based): chr21:46,416,227, A>G. VCF-style: chr21-46416227-A-G. GRCh37 (hg19) VCF-style: chr21-47836141-A-G.
Other names: c.5955A>G, p.Ala1985= (NM_001315529.2); c.6309A>G (NM_006031.5).
Identifiers: ClinVar variation 2896351 (VCV002896351.4), dbSNP rs375610642, ClinGen allele CA10080305.

ClinVar aggregate classification (germline): Likely benign. Review status: criteria provided, single submitter (1 of 4 stars). 2 submissions from 2 submitters: Likely benign (1). 1 of the submissions does not count toward it. Last evaluated 2024-11-07.

Conditions:
PCNT-related disorder. Also called: PCNT-related condition.

Allele frequency attached by ClinVar (database versions not stated): TOPMed below 0.00001; gnomAD 0.00001; ExAC 0.00002; gnomAD exomes 0.00003; ESP Exome Variant Server 0.00008.
gnomAD v4.1: 39 of 1,614,050 alleles (0.0024%); highest among the groups gnomAD compares: Non-Finnish European, 0.0031%; 1 homozygote.

Submissions (2):

Labcorp Genetics (formerly Invitae), Labcorp
Classification: Likely benign. Last evaluated: 2024-11-07. Review status: criteria provided, single submitter. Criteria: Invitae Variant Classification Sherloc (09022015). Collection method: clinical testing. Allele origin: germline.

PreventionGenetics, part of Exact Sciences
Classification: Likely benign for PCNT-related condition. Last evaluated: 2022-09-06. Review status: no assertion criteria provided. Collection method: clinical testing. Allele origin: germline. Not counted in ClinVar's aggregate classification.
Comment: This variant is classified as likely benign based on ACMG/AMP sequence variant interpretation guidelines (Richards et al. 2015 PMID: 25741868, with internal and published modifications).